The following is an entry in ClinVar:

ClinVar aggregate classification (germline): Likely pathogenic (1 of 4 stars; one submission).

Conditions:
Primary hyperoxaluria, type I (HP1). Also called: GLYCOLIC ACIDURIA; HEPATIC AGT DEFICIENCY; OXALOSIS I; Primary hyperoxaluria type 1. Identifiers: Orphanet 416, Orphanet 93598, MedGen C0268164, MONDO:0009823, OMIM 259900. Disease mechanism: loss of function.

Submission:

Myriad Genetics, Inc.
Classification: Likely pathogenic for Primary hyperoxaluria, type I. Last evaluated: 2019-10-18. Review status: criteria provided, single submitter. Criteria: Myriad Women's Health Autosomal Recessive and X-Linked Classification Criteria (2019). Collection method: clinical testing. Allele origin: unknown.
Comment: NM_000030.2(AGXT):c.412G>T(E138*) is expected to be pathogenic in the context of primary hyperoxaluria type 1. This variant is predicted to lead to an abnormal or absent protein product due to the creation of a premature termination codon in AGXT, a gene where loss-of-function variants are known to be pathogenic. Please note: this variant was assessed in the context of healthy population screening.

NM_000030.3(AGXT):c.412G>T (p.Glu138Ter)

Gene: AGXT (alanine--glyoxylate aminotransferase; plus strand). Cytogenetic location: 2q37.3.
Variant type: single nucleotide variant.
Coding change: c.412G>T on transcript NM_000030.3 (MANE Select); coding-DNA position 412, G replaced by T.
Protein change: p.Glu138Ter; replaces glutamic acid 138 with a stop codon.
Molecular consequence: nonsense.
Genome position (GRCh38, 1-based): chr2:240,870,697, G>T. VCF-style: chr2-240870697-G-T. GRCh37 (hg19) VCF-style: chr2-241810114-G-T.
Other names: short protein forms E138*.
Identifiers: ClinVar variation 983729 (VCV000983729.3), dbSNP rs2058986411, ClinGen allele CA351314651.
Genomic context (GRCh38, chr2:240,870,697, plus strand): 5'-CACCCAGGAGCCCGAGTGCACCCGATGACCAAGGACCCTGGAGGCCACTACACACTGCAG[G>T]AGGTGGAGGAGGTAGGGGACCCGGGGTGGGGGTCAGGGCCGGGAGGAGGTGGGAGTGGGC-3'